The following is an entry in ClinVar:

NM_201253.3(CRB1):c.4106C>A (p.Thr1369Asn)

Gene: CRB1 (crumbs cell polarity complex component 1; plus strand). Cytogenetic location: 1q31.3.
Variant type: single nucleotide variant.
Coding change: c.4106C>A on transcript NM_201253.3 (MANE Select); coding-DNA position 4106, C replaced by A.
Protein change: p.Thr1369Asn; replaces threonine 1369 with asparagine.
Molecular consequence: missense variant. On other transcripts: non-coding transcript variant (2).
Genome position (GRCh38, 1-based): chr1:197,477,764, C>A. VCF-style: chr1-197477764-C-A. GRCh37 (hg19) VCF-style: chr1-197446894-C-A.
Other names: c.3770C>A, p.Thr1257Asn (NM_001193640.2); c.4034C>A, p.Thr1345Asn (NM_001257965.2); c.2498C>A, p.Thr833Asn (NM_001257966.2); short protein forms T1345N, T1257N, T1369N, T833N.
Identifiers: ClinVar variation 1483461 (VCV001483461.9), dbSNP rs1667262233, ClinGen allele CA344035616.
Genomic context (GRCh38, chr1:197,477,764, plus strand): 5'-GCTCAGTGACTGTCGCCTTGTTACTGATCCTCTTGCTGGCCATTGTTGCTTCTGTTGTCA[C>A]CTCCAACAAAAGGGCAACTCAGGGAACCTACAGCCCCAGCCGTCAGGAGAAGGAGGGCTC-3'
Protein context (NP_957705.1, residues 1359-1379): LLLAIVASVV[Thr1369Asn]SNKRATQGTY

ClinVar aggregate classification (germline): Uncertain significance. Review status: criteria provided, multiple submitters, no conflicts (2 of 4 stars). 6 submissions from 4 submitters: Uncertain significance (6). Last evaluated 2023-04-11.

Conditions:
Pigmented paravenous retinochoroidal atrophy. Identifiers: Orphanet 251295, MedGen C1868310, MONDO:0008246, OMIM 172870.
Retinitis pigmentosa 12 (RP12). Also called: RP WITH OR WITHOUT PRESERVED PARAARTERIOLE RETINAL PIGMENT EPITHELIUM; RETINITIS PIGMENTOSA WITH OR WITHOUT PARAARTERIOLAR PRESERVATION OF RETINAL PIGMENT EPITHELIUM; RP WITH OR WITHOUT PPRPE. Identifiers: Orphanet 791, MedGen C1838647, MONDO:0010818, OMIM 600105.
Leber congenital amaurosis 8 (LCA8). Identifiers: Orphanet 65, MedGen C3151202, MONDO:0013453, OMIM 613835.

gnomAD v4.1: 1 of 1,613,870 alleles (0.000062%); highest among the groups gnomAD compares: Non-Finnish European, 0.000085%; no homozygotes.

Submissions (6):

Genome-Nilou Lab
Classification: Uncertain significance for Leber congenital amaurosis 8. Last evaluated: 2023-04-11. Review status: criteria provided, single submitter. Criteria: ACMG Guidelines, 2015. Collection method: clinical testing. Allele origin: germline. Affected: no.

Genome-Nilou Lab
Classification: Uncertain significance for Pigmented paravenous retinochoroidal atrophy. Last evaluated: 2023-04-11. Review status: criteria provided, single submitter. Criteria: ACMG Guidelines, 2015. Collection method: clinical testing. Allele origin: germline. Affected: no.

Genome-Nilou Lab
Classification: Uncertain significance for Retinitis pigmentosa 12. Last evaluated: 2023-04-11. Review status: criteria provided, single submitter. Criteria: ACMG Guidelines, 2015. Collection method: clinical testing. Allele origin: germline. Affected: no.

Labcorp Genetics (formerly Invitae), Labcorp
Classification: Uncertain significance for Leber congenital amaurosis 8; Retinitis pigmentosa 12. Last evaluated: 2021-09-02. Review status: criteria provided, single submitter. Criteria: Invitae Variant Classification Sherloc (09022015). Collection method: clinical testing. Allele origin: germline.
Comment: This sequence change replaces threonine with asparagine at codon 1369 of the CRB1 protein (p.Thr1369Asn). The threonine residue is weakly conserved and there is a small physicochemical difference between threonine and asparagine. This variant is not present in population databases (ExAC no frequency). This variant has not been reported in the literature in individuals affected with CRB1-related conditions. Algorithms developed to predict the effect of missense changes on protein structure and function are either unavailable or do not agree on the potential impact of this missense change (SIFT: "Deleterious"; PolyPhen-2: "Benign"; Align-GVGD: "Class C0"). In summary, the available evidence is currently insufficient to determine the role of this variant in disease. Therefore, it has been classified as a Variant of Uncertain Significance.

Revvity Omics, Revvity
Classification: Uncertain significance. Last evaluated: 2021-05-26. Review status: criteria provided, single submitter. Criteria: ACMG Guidelines, 2015. Collection method: clinical testing. Allele origin: germline.

Blueprint Genetics
Classification: Uncertain significance. Last evaluated: 2017-07-03. Review status: criteria provided, single submitter. Criteria: ACMG Guidelines, 2015. Collection method: clinical testing. Allele origin: germline.